The following is an entry in ClinVar:

ClinVar aggregate classification (germline): Likely pathogenic (1 of 4 stars; one submission).

Conditions:
Kabuki syndrome. Also called: Kabuki make-up syndrome; NIIKAWA-KUROKI SYNDROME. Identifiers: Orphanet 2322, MedGen C0796004, MONDO:0016512.

Submission:

Labcorp Genetics (formerly Invitae), Labcorp
Classification: Likely pathogenic for Kabuki syndrome. Last evaluated: 2017-08-15. Review status: criteria provided, single submitter. Criteria: Invitae Variant Classification Sherloc (09022015). Collection method: clinical testing. Allele origin: germline.
Comment: In summary, the currently available evidence indicates that the variant is pathogenic, but additional data are needed to prove that conclusively. Therefore, this variant has been classified as Likely Pathogenic. Algorithms developed to predict the effect of missense changes on protein structure and function do not agree on the potential impact of this missense change (SIFT: "Deleterious"; PolyPhen-2: "Probably Damaging"; Align-GVGD: "Class C0"). This variant is present in individuals with clinical features consistent with Kabuki syndrome (PMID: 27302555). This variant is not present in population databases (ExAC no frequency). This sequence change replaces histidine with glutamine at codon 1453 of the KMT2D protein (p.His1453Gln). The histidine residue is highly conserved and there is a small physicochemical difference between histidine and glutamine.

Literature cited by the submitters: PubMed 27302555.

NM_003482.4(KMT2D):c.4359C>G (p.His1453Gln)

Gene: KMT2D (lysine methyltransferase 2D; minus strand). Cytogenetic location: 12q13.12.
Variant type: single nucleotide variant.
Coding change: c.4359C>G on transcript NM_003482.4 (MANE Select); coding-DNA position 4359, C replaced by G.
Protein change: p.His1453Gln; replaces histidine 1453 with glutamine.
Molecular consequence: missense variant.
Genome position (GRCh38, 1-based): chr12:49,046,668, G>C on the plus strand (C>G on the coding strand, the complement: KMT2D is on the minus strand). VCF-style: chr12-49046668-G-C. GRCh37 (hg19) VCF-style: chr12-49440451-G-C.
Other names: short protein forms H1453Q.
Identifiers: ClinVar variation 565471 (VCV000565471.8), dbSNP rs767737749, ClinGen allele CA384646899.